The following is an entry in ClinVar:

NM_004655.4(AXIN2):c.945G>T (p.Thr315=)

Gene: AXIN2 (axin 2; minus strand). Cytogenetic location: 17q24.1.
Variant type: single nucleotide variant.
Coding change: c.945G>T on transcript NM_004655.4 (MANE Select); coding-DNA position 945, G replaced by T.
Protein change: p.Thr315=; no amino-acid change (threonine 315 retained).
Molecular consequence: synonymous variant.
Genome position (GRCh38, 1-based): chr17:65,549,531, C>A on the plus strand (G>T on the coding strand, the complement: AXIN2 is on the minus strand). VCF-style: chr17-65549531-C-A. GRCh37 (hg19) VCF-style: chr17-63545649-C-A.
Other names: c.945G>T (LRG_296t1); c.945G>T, p.Thr315= (NM_001363813.1).
Identifiers: ClinVar variation 415202 (VCV000415202.17), dbSNP rs780797394, ClinGen allele CA16615618.

ClinVar aggregate classification (germline): Benign/Likely benign. Review status: criteria provided, multiple submitters, no conflicts (2 of 4 stars). 5 submissions from 5 submitters: Benign (1); Likely benign (4). Last evaluated 2025-11-24.

Conditions:
AXIN2-related disorder.
Hereditary cancer-predisposing syndrome. Also called: Hereditary Cancer Syndrome; Tumor predisposition; Hereditary neoplastic syndrome; Neoplastic Syndromes, Hereditary. Identifiers: Orphanet 140162, MedGen C0027672, MeSH D009386, MONDO:0015356.
Oligodontia-cancer predisposition syndrome. Also called: TOOTH AGENESIS-COLORECTAL CANCER SYNDROME. Identifiers: Orphanet 300576, MedGen C1837750, MONDO:0012075, OMIM 608615. Disease mechanism: loss of function.

gnomAD v4.1: 2 of 1,612,556 alleles (0.00012%); highest among the groups gnomAD compares: Admixed American, 0.0033%; no homozygotes.

Submissions (5):

PreventionGenetics, part of Exact Sciences
Classification: Likely benign for AXIN2-related condition. Last evaluated: 2025-11-24. Review status: criteria provided, single submitter. Criteria: ACMG Guidelines, 2015. Collection method: clinical testing. Allele origin: germline.
Comment: This variant is classified as likely benign based on ACMG/AMP sequence variant interpretation guidelines (Richards et al. 2015 PMID: 25741868, with internal and published modifications).

Labcorp Genetics (formerly Invitae), Labcorp
Classification: Likely benign for Oligodontia-cancer predisposition syndrome. Last evaluated: 2025-11-05. Review status: criteria provided, single submitter. Criteria: Invitae Variant Classification Sherloc (09022015). Collection method: clinical testing. Allele origin: germline.

Quest Diagnostics Nichols Institute San Juan Capistrano
Classification: Likely benign. Last evaluated: 2025-01-24. Review status: criteria provided, single submitter. Criteria: Quest Diagnostics criteria. Collection method: clinical testing. Allele origin: unknown.

Myriad Genetics, Inc.
Classification: Benign for Oligodontia-cancer predisposition syndrome. Last evaluated: 2024-06-28. Review status: criteria provided, single submitter. Criteria: Myriad Autosomal Dominant, Autosomal Recessive and X-Linked Classification Criteria (2023). Collection method: clinical testing. Allele origin: unknown.
Comment: This variant is considered benign. This variant is a silent/synonymous amino acid change and it is not expected to impact splicing.

Ambry Genetics
Classification: Likely benign for Hereditary cancer-predisposing syndrome. Last evaluated: 2021-03-18. Review status: criteria provided, single submitter. Criteria: Ambry Variant Classification Scheme 2023. Collection method: clinical testing. Allele origin: germline.